The following is an entry in ClinVar:

ClinVar aggregate classification (germline): Likely pathogenic (1 of 4 stars; one submission).

Conditions:
Peroxisome biogenesis disorder 4A (Zellweger) (PBD4A). Also called: Zellweger syndrome spectrum (PEX6-related). Identifiers: Orphanet 912, MedGen C3553936, MONDO:0013930, OMIM 614862. Disease mechanism: loss of function.

Submission:

Myriad Genetics, Inc.
Classification: Likely pathogenic for Peroxisome biogenesis disorder 4A (Zellweger). Last evaluated: 2021-12-09. Review status: criteria provided, single submitter. Criteria: Myriad Women's Health Autosomal Recessive and X-Linked Classification Criteria (2021). Collection method: clinical testing. Allele origin: unknown.
Comment: NM_000287.3(PEX6):c.2020_2022del3ins19(L674Vfs*9) is expected to be pathogenic in the context of peroxisome biogenesis disorder type 4. This variant is predicted to lead to an abnormal or absent protein product due to the creation of a premature termination codon in PEX6, a gene where loss-of-function variants are known to be pathogenic. Please note: this variant was assessed in the context of healthy population screening.

NM_000287.4(PEX6):c.2020_2022delinsGTCTCTTATACACATCTGT (p.Leu674fs)

Gene: PEX6 (peroxisomal biogenesis factor 6; minus strand). Cytogenetic location: 6p21.1.
Variant type: Indel.
Coding change: c.2020_2022delinsGTCTCTTATACACATCTGT on transcript NM_000287.4 (MANE Select); coding-DNA positions 2020 to 2022, CTC replaced by GTCTCTTATACACATCTGT.
Protein change: p.Leu674fs; shifts the reading frame from leucine 674.
Molecular consequence: frameshift variant. On other transcripts: non-coding transcript variant (1).
Genome position (GRCh38, 1-based): chr6:42,966,597-42,966,599, GAG replaced by ACAGATGTGTATAAGAGAC on the plus strand (CTC replaced by GTCTCTTATACACATCTGT on the coding strand, the reverse complement: PEX6 is on the minus strand). VCF-style: chr6-42966597-GAG-ACAGATGTGTATAAGAGAC. GRCh37 (hg19) VCF-style: chr6-42934335-GAG-ACAGATGTGTATAAGAGAC.
Other names: c.1756_1758delinsGTCTCTTATACACATCTGT, p.Leu586fs (NM_001316313.2); short protein forms L586fs, L674fs.
Identifiers: ClinVar variation 1726221 (VCV001726221.2), dbSNP rs2481210415, ClinGen allele CA2580074632.